The following is an entry in ClinVar:

NM_000085.5(CLCNKB):c.655G>T (p.Gly219Cys)

Genes: CLCNKB (chloride voltage-gated channel Kb; plus strand), LOC106501713 (CLCNKB recombination region; plus strand). Cytogenetic location: 1p36.13.
Variant type: single nucleotide variant.
Coding change: c.655G>T on transcript NM_000085.5 (MANE Select); coding-DNA position 655, G replaced by T.
Protein change: p.Gly219Cys; replaces glycine 219 with cysteine.
Molecular consequence: missense variant.
Genome position (GRCh38, 1-based): chr1:16,048,582, G>T. VCF-style: chr1-16048582-G-T. GRCh37 (hg19) VCF-style: chr1-16375077-G-T.
Other names: short protein forms G219C.
Identifiers: ClinVar variation 2910097 (VCV002910097.3), dbSNP rs1324681267, ClinGen allele CA338635588.

ClinVar aggregate classification (germline): Uncertain significance (1 of 4 stars; one submission).

Submission:

Labcorp Genetics (formerly Invitae), Labcorp
Classification: Uncertain significance. Last evaluated: 2024-01-16. Review status: criteria provided, single submitter. Criteria: Invitae Variant Classification Sherloc (09022015). Collection method: clinical testing. Allele origin: germline.
Comment: This sequence change replaces glycine, which is neutral and non-polar, with cysteine, which is neutral and slightly polar, at codon 219 of the CLCNKB protein (p.Gly219Cys). This variant also falls at the last nucleotide of exon 7, which is part of the consensus splice site for this exon. This variant is not present in population databases (gnomAD no frequency). This missense change has been observed in individual(s) with Bartter syndrome (PMID: 28381550). An algorithm developed to predict the effect of missense changes on protein structure and function (PolyPhen-2) suggests that this variant is likely to be disruptive. Experimental studies are conflicting or provide insufficient evidence to determine the effect of this variant on CLCNKB function (PMID: 31803959). Variants that disrupt the consensus splice site are a relatively common cause of aberrant splicing (PMID: 17576681, 9536098). Algorithms developed to predict the effect of sequence changes on RNA splicing suggest that this variant may disrupt the consensus splice site. In summary, the available evidence is currently insufficient to determine the role of this variant in disease. Therefore, it has been classified as a Variant of Uncertain Significance.

Literature cited by the submitters: PubMed 28381550; PubMed 31803959; PubMed 17576681; PubMed 9536098.